The following is an entry in ClinVar:

NM_002047.4(GARS1):c.614_615delinsTA (p.Asp205Val)

Gene: GARS1 (glycyl-tRNA synthetase 1; plus strand). Cytogenetic location: 7p14.3.
Variant type: Indel.
Coding change: c.614_615delinsTA on transcript NM_002047.4 (MANE Select); coding-DNA positions 614 to 615, AC replaced by TA.
Protein change: p.Asp205Val; replaces aspartic acid 205 with valine.
Molecular consequence: missense variant.
Genome position (GRCh38, 1-based): chr7:30,603,078-30,603,079, AC replaced by TA. VCF-style: chr7-30603078-AC-TA. GRCh37 (hg19) VCF-style: chr7-30642694-AC-TA.
Other names: c.452_453delinsTA, p.Asp151Val (NM_001316772.1); short protein forms D151V, D205V.
Identifiers: ClinVar variation 1680905 (VCV001680905.6), dbSNP rs2128132958, ClinGen allele CA2573142201.

ClinVar aggregate classification (germline): Uncertain significance (1 of 4 stars; one submission).

Conditions:
Charcot-Marie-Tooth disease type 2. Also called: Charcot-Marie-Tooth type 2. Identifiers: Orphanet 64746, MedGen C0270914, MONDO:0018993.

Submission:

Labcorp Genetics (formerly Invitae), Labcorp
Classification: Uncertain significance for Charcot-Marie-Tooth disease type 2. Last evaluated: 2021-10-06. Review status: criteria provided, single submitter. Criteria: Invitae Variant Classification Sherloc (09022015). Collection method: clinical testing. Allele origin: germline.
Comment: In summary, the available evidence is currently insufficient to determine the role of this variant in disease. Therefore, it has been classified as a Variant of Uncertain Significance. Algorithms developed to predict the effect of missense changes on protein structure and function are either unavailable or do not agree on the potential impact of this missense change (SIFT: "Not Available"; PolyPhen-2: "Probably Damaging"; Align-GVGD: "Not Available"). This variant has not been reported in the literature in individuals affected with GARS-related conditions. The frequency data for this variant in the population databases is not available, as this variant may be reported as separate entries in the ExAC database. This sequence change replaces aspartic acid with valine at codon 205 of the GARS protein (p.Asp205Val). The aspartic acid residue is highly conserved and there is a large physicochemical difference between aspartic acid and valine.